The following is an entry in ClinVar:

ClinVar aggregate classification (germline): Uncertain significance (1 of 4 stars; one submission).

Conditions:
Brugada syndrome 8 (BRGDA8). Identifiers: Orphanet 130, MedGen C2751083, MONDO:0013148, OMIM 613123.

Submission:

Labcorp Genetics (formerly Invitae), Labcorp
Classification: Uncertain significance for Brugada syndrome 8. Last evaluated: 2025-11-01. Review status: criteria provided, single submitter. Criteria: Invitae Variant Classification Sherloc (09022015). Collection method: clinical testing. Allele origin: germline.
Comment: This sequence change replaces glycine, which is neutral and non-polar, with arginine, which is basic and polar, at codon 79 of the HCN4 protein (p.Gly79Arg). This variant is not present in population databases (gnomAD no frequency). This variant has not been reported in the literature in individuals affected with HCN4-related conditions. ClinVar contains an entry for this variant (Variation ID: 2897971). Invitae Evidence Modeling of protein sequence and biophysical properties (such as structural, functional, and spatial information, amino acid conservation, physicochemical variation, residue mobility, and thermodynamic stability) indicates that this missense variant is not expected to disrupt HCN4 protein function with a negative predictive value of 95%. In summary, the available evidence is currently insufficient to determine the role of this variant in disease. Therefore, it has been classified as a Variant of Uncertain Significance.

NM_005477.3(HCN4):c.235G>C (p.Gly79Arg)

Gene: HCN4 (hyperpolarization activated cyclic nucleotide gated potassium channel 4; minus strand). Cytogenetic location: 15q24.1.
Variant type: single nucleotide variant.
Coding change: c.235G>C on transcript NM_005477.3 (MANE Select); coding-DNA position 235, G replaced by C.
Protein change: p.Gly79Arg; replaces glycine 79 with arginine.
Molecular consequence: missense variant.
Genome position (GRCh38, 1-based): chr15:73,368,036, C>G on the plus strand (G>C on the coding strand, the complement: HCN4 is on the minus strand). VCF-style: chr15-73368036-C-G. GRCh37 (hg19) VCF-style: chr15-73660377-C-G.
Other names: short protein forms G79R.
Identifiers: ClinVar variation 2897971 (VCV002897971.3), dbSNP rs2549080580, ClinGen allele CA393098632.